The following is an entry in ClinVar:

ClinVar aggregate classification (germline): Conflicting classifications of pathogenicity. Review status: criteria provided, conflicting classifications (1 of 4 stars). 5 submissions from 5 submitters: Likely pathogenic (4); Uncertain significance (1). Last evaluated 2023-11-27.

Conditions:
Hereditary cancer-predisposing syndrome. Also called: Tumor predisposition; Hereditary Cancer Syndrome; Hereditary neoplastic syndrome; Neoplastic Syndromes, Hereditary. Identifiers: Orphanet 140162, MedGen C0027672, MeSH D009386, MONDO:0015356.
Cardiovascular phenotype. Identifiers: MedGen CN230736.
Neurofibromatosis, type 1 (NF1). Also called: Neurofibromatosis, type I; VON RECKLINGHAUSEN DISEASE; NEUROFIBROMATOSIS, TYPE I, SOMATIC; Peripheral type neurofibromatosis. Identifiers: Orphanet 636, MedGen C0027831, MONDO:0018975, OMIM 162200. Disease mechanism: loss of function.

Submissions (5):

Ambry Genetics
Classification: Likely pathogenic for Cardiovascular phenotype; Hereditary cancer-predisposing syndrome. Last evaluated: 2023-11-27. Review status: criteria provided, single submitter. Criteria: Ambry Variant Classification Scheme 2023. Collection method: clinical testing. Allele origin: germline.
Comment: The c.3974+260T>G intronic variant results from a T to G substitution 260 nucleotides after coding exon 29 in the NF1 gene. This alteration has been reported in a child with a clinical or genetic diagnosis of neurofibromatosis type 1 (Duat Rodr&iacute;guez A et al. An Pediatr (Barc), 2015 Sep;83:173-82). This nucleotide position is conserved on limited sequence alignment. In silico splice site analysis predicts that this alteration will result in the creation or strengthening of a novel splice donor site. RNA studies have demonstrated that this alteration results in multiple abnormal transcripts (Duat Rodr&iacute;guez A et al. An Pediatr (Barc), 2015 Sep;83:173-82; Ambry internal data). This variant is considered to be rare based on population cohorts in the Genome Aggregation Database (gnomAD). Based on the majority of available evidence to date, this variant is likely to be pathogenic.

CeGaT Center for Human Genetics Tuebingen
Classification: Uncertain significance. Last evaluated: 2021-05-01. Review status: criteria provided, single submitter. Criteria: CeGaT Center For Human Genetics Tuebingen Variant Classification Criteria Version 2. Collection method: clinical testing. Allele origin: germline. Affected: yes. Observed: 1 variant allele.

GeneDx
Classification: Likely pathogenic. Last evaluated: 2019-08-02. Review status: criteria provided, single submitter. Criteria: GeneDx Variant Classification Process June 2021. Collection method: clinical testing. Allele origin: germline. Affected: yes.
Comment: In silico analysis, which includes splice predictors and evolutionary conservation, supports a deleterious effect; No data available from control populations to assess the frequency of this variant; Published functional studies demonstrate a damaging effect: RNA studies showed a truncated transcript (Duat Rodriguez 2015); This variant is associated with the following publications: (PMID: 25541118)

Department of Pathology and Laboratory Medicine, Sinai Health System
Classification: Likely pathogenic for neurofibromatosis type 1. Review status: criteria provided, single submitter. Criteria: ACMG Guidelines, 2015. Collection method: clinical testing. Allele origin: germline.

Laboratory of Functional Genomics, Research Centre for Medical Genetics
Classification: Likely pathogenic for Neurofibromatosis, type 1. Review status: criteria provided, single submitter. Criteria: ACMG Guidelines, 2015. Collection method: clinical testing. Allele origin: germline. Inheritance: Autosomal dominant inheritance. Affected: yes. Observed: 1 variant allele, 1 heterozygote.
Comment: This variant is absent from the gnomAD population database, and the affected genomic position is highly conserved across species. SpliceAI predicts the creation of a new donor splice site. RNA analysis demonstrated that the variant activates new donor splice site and results in pseudoexon inclusion through the use of two alternative acceptor splice sites, leading to a frameshift (NP_000258.1:p.[Leu1326Tyrfs34;Leu1326Serfs27]). Based on the available evidence, the variant can be classified as likely pathogenic (PM2, PS3).

NM_001042492.3(NF1):c.3974+260T>G

Gene: NF1 (neurofibromin 1; plus strand). Cytogenetic location: 17q11.2.
Variant type: single nucleotide variant.
Coding change: c.3974+260T>G on transcript NM_001042492.3 (MANE Select); 260 bases into the intron after coding-DNA position 3974, T replaced by G.
Molecular consequence: intron variant.
Genome position (GRCh38, 1-based): chr17:31,236,281, T>G. VCF-style: chr17-31236281-T-G. GRCh37 (hg19) VCF-style: chr17-29563299-T-G.
Other names: c.3974+260T>G (NM_000267.4).
Identifiers: ClinVar variation 561507 (VCV000561507.40), dbSNP rs1567853044, ClinGen allele CA658824763.